The following is an entry in ClinVar:

NM_001267550.2(TTN):c.92552T>G (p.Met30851Arg)

Genes: TTN (titin; minus strand), TTN-AS1 (TTN antisense RNA 1; plus strand). Cytogenetic location: 2q31.2.
Variant type: single nucleotide variant.
Coding change: c.92552T>G on transcript NM_001267550.2 (MANE Select); coding-DNA position 92552, T replaced by G.
Protein change: p.Met30851Arg; replaces methionine 30851 with arginine.
Molecular consequence: missense variant.
Genome position (GRCh38, 1-based): chr2:178,549,074, A>C on the plus strand (T>G on the coding strand, the complement: TTN is on the minus strand). VCF-style: chr2-178549074-A-C. GRCh37 (hg19) VCF-style: chr2-179413801-A-C.
Other names: c.92552T>G (NM_001267550.1); c.87629T>G, p.Met29210Arg (NM_001256850.1); c.65357T>G, p.Met21786Arg (NM_003319.4); c.84848T>G, p.Met28283Arg (NM_133378.4); c.65732T>G, p.Met21911Arg (NM_133432.3); c.65933T>G, p.Met21978Arg (NM_133437.4); short protein forms M21786R, M21978R, M30851R, M28283R, M29210R, M21911R.
Identifiers: ClinVar variation 915812 (VCV000915812.9), dbSNP rs1206527, ClinGen allele CA60974485.

ClinVar aggregate classification (germline): Uncertain significance. Review status: criteria provided, multiple submitters, no conflicts (2 of 4 stars). 5 submissions from 5 submitters: Uncertain significance (5). Last evaluated 2026-04-07.

Conditions:
TTN-related disorder. Also called: TTN-related condition; TTN-related disease; TTN-related disorders.
Early-onset myopathy with fatal cardiomyopathy (CMYO5). Also called: Salih Myopathy; CONGENITAL MYOPATHY 5 WITH CARDIOMYOPATHY. Identifiers: Orphanet 289377, MedGen C2673677, MONDO:0012714, OMIM 611705. Disease mechanism: loss of function.
Myopathy, myofibrillar, 9, with early respiratory failure (MFM9). Also called: Hereditary myopathy with early respiratory failure; EDSTROM MYOPATHY; MYOPATHY, PROXIMAL, WITH EARLY RESPIRATORY MUSCLE INVOLVEMENT; Myopathy, distal, with early respiratory failure, autosomal dominant. Identifiers: Orphanet 178464, Orphanet 34521, MedGen C1863599, MONDO:0011362, OMIM 603689.
Tibial muscular dystrophy (TMD). Also called: Tibial muscular dystrophy, tardive; Udd Distal Myopathy – Tibial Muscular Dystrophy; UDD MYOPATHY. Identifiers: Orphanet 609, MedGen C1838244, MONDO:0010870, OMIM 600334.
Autosomal recessive limb-girdle muscular dystrophy type 2J (LGMDR10). Also called: Limb-girdle muscular dystrophy, type 2J; MUSCULAR DYSTROPHY, LIMB-GIRDLE, AUTOSOMAL RECESSIVE 10. Identifiers: Orphanet 140922, MedGen C1837342, MONDO:0012127, OMIM 608807.
Hypertrophic cardiomyopathy 9. Also called: Familial hypertrophic cardiomyopathy 9. Identifiers: MedGen C1861065, MONDO:0013412, OMIM 613765.
Dilated cardiomyopathy 1G (CMD1G). Identifiers: Orphanet 154, MedGen C1858763, MONDO:0011400, OMIM 604145.
Cardiomyopathy (CMYO). Also called: Cardiomyopathies. Identifiers: Orphanet 167848, MedGen C0878544, MONDO:0004994, HP:0001638. Inheritance: Various modes of inheritance.

Allele frequency attached by ClinVar (database versions not stated): gnomAD 0.00001; gnomAD exomes 0.00001; TOPMed 0.00004.
gnomAD v4.1: 9 of 1,613,760 alleles (0.00056%); highest among the groups gnomAD compares: African/African-American, 0.012%; no homozygotes.

Submissions (5):

PreventionGenetics, part of Exact Sciences
Classification: Uncertain significance for TTN-related condition. Last evaluated: 2026-04-07. Review status: criteria provided, single submitter. Criteria: ACMG Guidelines, 2015. Collection method: clinical testing. Allele origin: germline.
Comment: The TTN c.92552T>G variant is predicted to result in the amino acid substitution p.Met30851Arg. To our knowledge, this variant has not been reported in the literature. This variant is reported in 0.013% of alleles in individuals of African descent in gnomAD. At this time, the clinical significance of this variant is uncertain due to the absence of conclusive functional and genetic evidence.

GeneDx
Classification: Uncertain significance. Last evaluated: 2025-07-02. Review status: criteria provided, single submitter. Criteria: GeneDx Variant Classification Process June 2021. Collection method: clinical testing. Allele origin: germline. Affected: yes.
Comment: Not observed at significant frequency in large population cohorts (gnomAD); Missense variant in a gene in which most reported pathogenic variants are truncating/loss-of-function; Has not been previously published as pathogenic or benign to our knowledge

Fulgent Genetics
Classification: Uncertain significance for Tibial muscular dystrophy; Myopathy, myofibrillar, 9, with early respiratory failure; Dilated cardiomyopathy 1G; Autosomal recessive limb-girdle muscular dystrophy type 2J; Early-onset myopathy with fatal cardiomyopathy; Hypertrophic cardiomyopathy 9. Last evaluated: 2021-10-12. Review status: criteria provided, single submitter. Criteria: ACMG Guidelines, 2015. Collection method: clinical testing. Allele origin: unknown.

Revvity Omics, Revvity
Classification: Uncertain significance. Last evaluated: 2020-02-18. Review status: criteria provided, single submitter. Criteria: ACMG Guidelines, 2015. Collection method: clinical testing. Allele origin: germline.

CHEO Genetics Diagnostic Laboratory, Children's Hospital of Eastern Ontario
Classification: Uncertain significance for Cardiomyopathy. Last evaluated: 2018-03-08. Review status: criteria provided, single submitter. Criteria: ACMG Guidelines, 2015. Collection method: clinical testing. Allele origin: germline.